The following is an entry in ClinVar:

NM_001360016.2(G6PD):c.197T>A (p.Phe66Tyr)

Gene: G6PD (glucose-6-phosphate dehydrogenase; minus strand). Cytogenetic location: Xq28.
Variant type: single nucleotide variant.
Coding change: c.197T>A on transcript NM_001360016.2 (MANE Select); coding-DNA position 197, T replaced by A.
Protein change: p.Phe66Tyr; replaces phenylalanine 66 with tyrosine.
Molecular consequence: missense variant.
Genome position (GRCh38, 1-based): chrX:154,536,007, A>T on the plus strand (T>A on the coding strand, the complement: G6PD is on the minus strand). VCF-style: chrX-154536007-A-T. GRCh37 (hg19) VCF-style: chrX-153764222-A-T.
Other names: G6PD Bahia; c.287T>A, p.Phe96Tyr (NM_000402.4); c.197T>A, p.Phe66Tyr (NM_001042351.3); short protein forms F66Y, F96Y.
Identifiers: ClinVar variation 1722691 (VCV001722691.2), dbSNP rs2523272843, ClinGen allele CA415239851.
Genomic context (GRCh38, chrX:154,536,007, plus strand): 5'-GGCTCACTCTGTTTGCGGATGTCAGCCACTGTGAGGCGGGAACGGGCATAGCCCACGATG[A>T]AGGTGTTTTCGGGCAGAAGGCCATCCCGGAACAGCCACCTGAGGGCAGGGCACAGCTGTA-3'
Protein context (NP_001346945.1, residues 56-76): FRDGLLPENT[Phe66Tyr]IVGYARSRLT

ClinVar aggregate classification (germline): Uncertain significance (1 of 4 stars; one submission).

Conditions:
Anemia, nonspherocytic hemolytic, due to G6PD deficiency (CNSHA1). Also called: Hemolytic anemia due to G6PD deficiency; Class I glucose-6-phosphate dehydrogenase deficiency; Favism, susceptibility to; ANEMIA, CONGENITAL, NONSPHEROCYTIC HEMOLYTIC, 1. Identifiers: Orphanet 466026, MedGen C2720289, MONDO:0010480, OMIM 300908.

Submission:

Dunham Lab, University of Washington
Classification: Uncertain significance for Anemia, nonspherocytic hemolytic, due to G6PD deficiency. Last evaluated: 2022-08-12. Review status: criteria provided, single submitter. Criteria: Bayesian ACMG Guidelines, 2018. Collection method: curation. Allele origin: unknown.
Comment: Only found in combination with c.202A>G, which is known to contribute to G6PD deficiency (ClinVar ID 37123) (BP5). Identified in unrelated individuals, in combination with different variants (PS4_M). Not found in gnomAD (PM2). Post_P 0.500 (odds of pathogenicity 9.01, Prior_P 0.1).

Literature cited by the submitters: DOI 10.1590/S1415-47572008000100006.